The following is an entry in ClinVar:

ClinVar aggregate classification (germline): Uncertain significance. Review status: criteria provided, multiple submitters, no conflicts (2 of 4 stars). 2 submissions from 2 submitters: Uncertain significance (2). Last evaluated 2023-04-14.

Allele frequency attached by ClinVar (database versions not stated): gnomAD exomes 0.00001 and 0.00003; ExAC 0.00004; gnomAD 0.00010 and 0.00011; TOPMed 0.00011.
gnomAD v4.1: 33 of 1,613,974 alleles (0.002%); highest among the groups gnomAD compares: African/African-American, 0.035%; 1 homozygote.

Submissions (2):

Blueprint Genetics
Classification: Uncertain significance. Last evaluated: 2023-04-14. Review status: criteria provided, single submitter. Criteria: ACMG Guidelines, 2015. Collection method: clinical testing. Allele origin: germline.

Labcorp Genetics (formerly Invitae), Labcorp
Classification: Uncertain significance. Last evaluated: 2022-08-23. Review status: criteria provided, single submitter. Criteria: Invitae Variant Classification Sherloc (09022015). Collection method: clinical testing. Allele origin: germline.
Comment: This sequence change replaces proline, which is neutral and non-polar, with threonine, which is neutral and polar, at codon 141 of the EFL1 protein (p.Pro141Thr). This variant is present in population databases (rs777195208, gnomAD 0.05%), including at least one homozygous and/or hemizygous individual. This variant has not been reported in the literature in individuals affected with EFL1-related conditions. ClinVar contains an entry for this variant (Variation ID: 1364593). Algorithms developed to predict the effect of missense changes on protein structure and function are either unavailable or do not agree on the potential impact of this missense change (SIFT: "Tolerated"; PolyPhen-2: "Probably Damaging"; Align-GVGD: "Class C0"). In summary, the available evidence is currently insufficient to determine the role of this variant in disease. Therefore, it has been classified as a Variant of Uncertain Significance.

NM_024580.6(EFL1):c.421C>A (p.Pro141Thr)

Gene: EFL1 (elongation factor like GTPase 1; minus strand). Cytogenetic location: 15q25.2.
Variant type: single nucleotide variant.
Coding change: c.421C>A on transcript NM_024580.6 (MANE Select); coding-DNA position 421, C replaced by A.
Protein change: p.Pro141Thr; replaces proline 141 with threonine.
Molecular consequence: missense variant. On other transcripts: 5 prime UTR variant (1), non-coding transcript variant (1).
Genome position (GRCh38, 1-based): chr15:82,240,513, G>T on the plus strand (C>A on the coding strand, the complement: EFL1 is on the minus strand). VCF-style: chr15-82240513-G-T. GRCh37 (hg19) VCF-style: chr15-82532854-G-T.
Other names: c.268C>A, p.Pro90Thr (NM_001040610.3); c.-369C>A (NM_001322844.2); c.421C>A, p.Pro141Thr (NM_001322845.2); short protein forms P141T, P90T.
Identifiers: ClinVar variation 1364593 (VCV001364593.4), dbSNP rs777195208, ClinGen allele CA7698279.